The following is an entry in ClinVar:

ClinVar aggregate classification (germline): Pathogenic/Likely pathogenic. Review status: criteria provided, multiple submitters, no conflicts (2 of 4 stars). 3 submissions from 3 submitters: Pathogenic (1); Likely pathogenic (2). Last evaluated 2023-09-19.

Conditions:
Retinitis pigmentosa 25 (RP25). Identifiers: Orphanet 791, MedGen C1864446, MONDO:0011272, OMIM 602772.

Submissions (3):

Baylor Genetics
Classification: Likely pathogenic for Retinitis pigmentosa 25. Last evaluated: 2023-09-19. Review status: criteria provided, single submitter. Criteria: ACMG Guidelines, 2015. Collection method: clinical testing. Allele origin: unknown.

Labcorp Genetics (formerly Invitae), Labcorp
Classification: Pathogenic. Last evaluated: 2023-08-04. Review status: criteria provided, single submitter. Criteria: Invitae Variant Classification Sherloc (09022015). Collection method: clinical testing. Allele origin: germline.
Comment: This variant disrupts a region of the EYS protein in which other variant(s) (p.Tyr3135*) have been determined to be pathogenic (PMID: 18976725, 29159838, 30337596, 31074760). This suggests that this is a clinically significant region of the protein, and that variants that disrupt it are likely to be disease-causing. For these reasons, this variant has been classified as Pathogenic. This sequence change creates a premature translational stop signal (p.Met3032Ilefs*14) in the EYS gene. While this is not anticipated to result in nonsense mediated decay, it is expected to disrupt the last 113 amino acid(s) of the EYS protein. This variant is not present in population databases (gnomAD no frequency). This variant has not been reported in the literature in individuals affected with EYS-related conditions. ClinVar contains an entry for this variant (Variation ID: 1929386).

Dr. med. U. Finckh, Human Genetics, Eurofins MVZ
Classification: Likely pathogenic for Retinitis pigmentosa 25. Review status: criteria provided, single submitter. Criteria: ACMG Guidelines, 2015. Collection method: clinical testing. Allele origin: unknown. Affected: no.
Comment: Rare variant that is predicted to be disruptive. Analyses (NGS+MLPA) failed to reveal a second possibly relevant EYS variant.

Literature cited by the submitters: PubMed 18976725 (cited by Labcorp Genetics (formerly Invitae), Labcorp); PubMed 29159838 (cited by Labcorp Genetics (formerly Invitae), Labcorp); PubMed 30337596 (cited by Labcorp Genetics (formerly Invitae), Labcorp); PubMed 31074760 (cited by Labcorp Genetics (formerly Invitae), Labcorp).

NM_001142800.2(EYS):c.9096_9102del (p.Met3032fs)

Genes: EYS (EGF-like photoreceptor maintenance factor; minus strand), PHF3 (PHD finger protein 3; plus strand). Cytogenetic location: 6q12.
Variant type: Deletion.
Coding change: c.9096_9102del on transcript NM_001142800.2 (MANE Select); coding-DNA positions 9096 to 9102, 7 bases deleted (GAGCTAT; older notation c.9096_9102delGAGCTAT).
Protein change: p.Met3032fs; shifts the reading frame from methionine 3032.
Molecular consequence: frameshift variant. On other transcripts: 3 prime UTR variant (5).
Genome position (GRCh38, 1-based): chr6:63,720,929-63,720,935, ATAGCTC deleted on the plus strand (GAGCTAT on the coding strand, the reverse complement: EYS is on the minus strand); deleting any 7 consecutive bases within chr6:63,720,929-63,720,939 gives the same sequence; the c. name uses the placement nearest the transcript's 3' end. VCF-style (leftmost placement, unchanged base first): chr6-63720928-TATAGCTC-T. GRCh37 (hg19) VCF-style: chr6-64430824-TATAGCTC-T.
Other names: c.*7225_*7231del (NM_001290259.2, NM_001370348.2, NM_001370349.2 and 2 more transcripts); c.9159_9165del, p.Met3053fs (NM_001292009.2); short protein forms M3032fs, M3053fs.
Identifiers: ClinVar variation 1929386 (VCV001929386.7), dbSNP rs1049140099, ClinGen allele CA140236798.
Genomic context (GRCh38, chr6:63,720,928, plus strand): 5'-GAGTCTGATTTTGAATTACAACTACATGGTGCCATTTATTACAACAGAATGTGCCATTGT[TATAGCTC>T]ATAGGCACAGAGATTCTTTCTCCCAAGTTAACTGCTATTTTCAAGGTCTGATTATGGAGA-3'